The following is an entry in ClinVar:

ClinVar aggregate classification (germline): Uncertain significance. Review status: criteria provided, multiple submitters, no conflicts (2 of 4 stars). 4 submissions from 4 submitters: Uncertain significance (4). Last evaluated 2025-12-29.

Conditions:
ALPK3-related disorder. Also called: ALPK3-related condition.
Cardiovascular phenotype. Identifiers: MedGen CN230736.

Allele frequency attached by ClinVar (database versions not stated): gnomAD 0.00001; TOPMed 0.00003.
gnomAD v4.1: 5 of 1,613,090 alleles (0.00031%); highest among the groups gnomAD compares: African/African-American, 0.004%; no homozygotes.

Submissions (4):

PreventionGenetics, part of Exact Sciences
Classification: Uncertain significance for ALPK3-related condition. Last evaluated: 2025-12-29. Review status: criteria provided, single submitter. Criteria: ACMG Guidelines, 2015. Collection method: clinical testing. Allele origin: germline.
Comment: The ALPK3 c.5666A>C variant is predicted to result in the amino acid substitution p.Gln1889Pro. To our knowledge, this variant has not been reported in the literature. This variant is reported in 0.0062% of alleles in individuals of African descent in gnomAD. At this time, the clinical significance of this variant is uncertain due to the absence of conclusive functional and genetic evidence.

Ambry Genetics
Classification: Uncertain significance for Cardiovascular phenotype. Last evaluated: 2025-12-21. Review status: criteria provided, single submitter. Criteria: Ambry Variant Classification Scheme 2023. Collection method: clinical testing. Allele origin: germline.
Comment: The p.Q1889P variant (also known as c.5666A>C), located in coding exon 14 of the ALPK3 gene, results from an A to C substitution at nucleotide position 5666. The glutamine at codon 1889 is replaced by proline, an amino acid with similar properties. This amino acid position is conserved. In addition, this alteration is predicted to be tolerated by in silico analysis. Since supporting evidence is limited at this time, the clinical significance of this alteration remains unclear.

Labcorp Genetics (formerly Invitae), Labcorp
Classification: Uncertain significance. Last evaluated: 2025-04-11. Review status: criteria provided, single submitter. Criteria: Invitae Variant Classification Sherloc (09022015). Collection method: clinical testing. Allele origin: germline.
Comment: This sequence change replaces glutamine, which is neutral and polar, with proline, which is neutral and non-polar, at codon 1889 of the ALPK3 protein (p.Gln1889Pro). This variant is present in population databases (rs781341096, gnomAD 0.007%). This variant has not been reported in the literature in individuals affected with ALPK3-related conditions. ClinVar contains an entry for this variant (Variation ID: 1423101). Invitae Evidence Modeling of protein sequence and biophysical properties (such as structural, functional, and spatial information, amino acid conservation, physicochemical variation, residue mobility, and thermodynamic stability) indicates that this missense variant is not expected to disrupt ALPK3 protein function with a negative predictive value of 80%. In summary, the available evidence is currently insufficient to determine the role of this variant in disease. Therefore, it has been classified as a Variant of Uncertain Significance.

GeneDx
Classification: Uncertain significance. Last evaluated: 2023-03-16. Review status: criteria provided, single submitter. Criteria: GeneDx Variant Classification Process June 2021. Collection method: clinical testing. Allele origin: germline. Affected: yes.
Comment: Not observed at significant frequency in large population cohorts (gnomAD); In silico analysis supports that this missense variant does not alter protein structure/function; Has not been previously published as pathogenic or benign to our knowledge

NM_020778.5(ALPK3):c.5060A>C (p.Gln1687Pro)

Gene: ALPK3 (alpha kinase 3; plus strand). Cytogenetic location: 15q25.3.
Variant type: single nucleotide variant.
Coding change: c.5060A>C on transcript NM_020778.5 (MANE Select); coding-DNA position 5060, A replaced by C.
Protein change: p.Gln1687Pro; replaces glutamine 1687 with proline.
Molecular consequence: missense variant.
Genome position (GRCh38, 1-based): chr15:84,868,398, A>C. VCF-style: chr15-84868398-A-C. GRCh37 (hg19) VCF-style: chr15-85411629-A-C.
Other names: c.5666A>C (NM_020778.4); short protein forms Q1687P.
Identifiers: ClinVar variation 1423101 (VCV001423101.10), dbSNP rs781341096, ClinGen allele CA7710150.
Genomic context (GRCh38, chr15:84,868,398, plus strand): 5'-CCCGGAAGAGTGCTCCAAGTTCCAAGGCCACCCCTCAGGCCTCAGAGCCAGTCACCACTC[A>C]GTTGTTGGGACAGCCTCCCACCCAAGAGGAGGGCTCCAAGGCCCAGGGCATGCGGTAGCC-3'
Protein context (NP_065829.4, residues 1677-1697): TPQASEPVTT[Gln1687Pro]LLGQPPTQEE